The following is an entry in ClinVar:

ClinVar aggregate classification (germline): Uncertain significance (1 of 4 stars; one submission).

Allele frequency attached by ClinVar (database versions not stated): TOPMed below 0.00001; gnomAD 0.00001.
gnomAD v4.1: 1 of 1,614,100 alleles (0.000062%); highest among the groups gnomAD compares: African/African-American, 0.0013%; no homozygotes.

Submission:

Labcorp Genetics (formerly Invitae), Labcorp
Classification: Uncertain significance. Last evaluated: 2022-08-02. Review status: criteria provided, single submitter. Criteria: Invitae Variant Classification Sherloc (09022015). Collection method: clinical testing. Allele origin: germline.
Comment: This variant has not been reported in the literature in individuals affected with SRCAP-related conditions. This variant is not present in population databases (gnomAD no frequency). This sequence change replaces proline, which is neutral and non-polar, with leucine, which is neutral and non-polar, at codon 2720 of the SRCAP protein (p.Pro2720Leu). In summary, the available evidence is currently insufficient to determine the role of this variant in disease. Therefore, it has been classified as a Variant of Uncertain Significance. Algorithms developed to predict the effect of missense changes on protein structure and function are either unavailable or do not agree on the potential impact of this missense change (SIFT: "Deleterious"; PolyPhen-2: "Not Available"; Align-GVGD: "Class C0").

NM_006662.3(SRCAP):c.8159C>T (p.Pro2720Leu)

Gene: SRCAP (Snf2 related CREBBP activator protein; plus strand). Cytogenetic location: 16p11.2.
Variant type: single nucleotide variant.
Coding change: c.8159C>T on transcript NM_006662.3 (MANE Select); coding-DNA position 8159, C replaced by T.
Protein change: p.Pro2720Leu; replaces proline 2720 with leucine.
Molecular consequence: missense variant.
Genome position (GRCh38, 1-based): chr16:30,738,199, C>T. VCF-style: chr16-30738199-C-T. GRCh37 (hg19) VCF-style: chr16-30749520-C-T.
Other names: short protein forms P2720L.
Identifiers: ClinVar variation 1714840 (VCV001714840.5), dbSNP rs1567254142, ClinGen allele CA395636366.